The following is an entry in ClinVar:

ClinVar aggregate classification (germline): Likely benign. Review status: criteria provided, single submitter (1 of 4 stars). 2 submissions from 2 submitters: Likely benign (1). 1 of the submissions does not count toward it. Last evaluated 2022-12-01.

Conditions:
DCDC2-related disorder. Also called: DCDC2-related condition.

Allele frequency attached by ClinVar (database versions not stated): gnomAD exomes 0.00002; TOPMed 0.00002; gnomAD 0.00003; ExAC 0.00006; 1000 Genomes Project 0.00020; 1000 Genomes Project 30x 0.00031.
gnomAD v4.1: 13 of 1,614,016 alleles (0.00081%); highest among the groups gnomAD compares: East Asian, 0.027%; 1 homozygote.

Submissions (2):

Blueprint Genetics
Classification: Likely benign. Last evaluated: 2022-12-01. Review status: criteria provided, single submitter. Criteria: ACMG Guidelines, 2015. Collection method: clinical testing. Allele origin: germline.

PreventionGenetics, part of Exact Sciences
Classification: Likely benign for DCDC2-related condition. Last evaluated: 2022-04-26. Review status: no assertion criteria provided. Collection method: clinical testing. Allele origin: germline. Not counted in ClinVar's aggregate classification.
Comment: This variant is classified as likely benign based on ACMG/AMP sequence variant interpretation guidelines (Richards et al. 2015 PMID: 25741868, with internal and published modifications).

NM_016356.5(DCDC2):c.618T>C (p.Phe206=)

Gene: DCDC2 (doublecortin domain containing 2; minus strand). Cytogenetic location: 6p22.3.
Variant type: single nucleotide variant.
Coding change: c.618T>C on transcript NM_016356.5 (MANE Select); coding-DNA position 618, T replaced by C.
Protein change: p.Phe206=; no amino-acid change (phenylalanine 206 retained).
Molecular consequence: synonymous variant.
Genome position (GRCh38, 1-based): chr6:24,291,018, A>G on the plus strand (T>C on the coding strand, the complement: DCDC2 is on the minus strand). VCF-style: chr6-24291018-A-G. GRCh37 (hg19) VCF-style: chr6-24291246-A-G.
Other names: c.618T>C, p.Phe206= (NM_001195610.2).
Identifiers: ClinVar variation 3061641 (VCV003061641.3), dbSNP rs199939071, ClinGen allele CA3654706.
Genomic context (GRCh38, chr6:24,291,018, plus strand): 5'-GTCAAAAAGTAACTCACTGTAAGGCAGTTTCTTAAACTTATCTCTGCCAACAGCCACATA[A>G]AACTGCCCATTCTCCAACTCTGCTCCACTCTCAACAAGTTTTCCTTCTAAAGTATAAAGC-3'
Protein context (NP_057440.2, residues 196-216): ESGAELENGQ[Phe206=]YVAVGRDKFK